The following is an entry in ClinVar:

ClinVar aggregate classification (germline): Pathogenic (0 of 4 stars; one submission).

Conditions:
Koolen-de Vries syndrome (KDVS). Identifiers: Orphanet 96169, MedGen C1864871, MONDO:0012496, OMIM 610443.

Submission:

Clinical Genomics Laboratory, Stanford Medicine
Classification: Pathogenic for Koolen-de Vries syndrome. Last evaluated: 2019-06-17. Review status: no assertion criteria provided. Collection method: clinical testing. Allele origin: germline. Inheritance: Autosomal dominant inheritance. Affected: yes.
Comment: This variant was absent from large population databases, including the Genome Aggregation Database. The p.Asn864Thrfs*14 variant results in a 1bp deletion, which causes a shift in the protein reading frame, leading to a premature termination codon 14 amino acids downstream. Heterozygous loss of function is an established mechanism of disease for the KANSL1 gene. These data were assessed using the ACMG/AMP variant interpretation guidelines. In summary, there is sufficient evidence to classify the p.Asn864Thrfs*14 variant as pathogenic for autosomal dominant KANSL1-related intellectual disability syndrome based on the information above. [ACMG evidence codes used: PVS1; PS2_moderate; PM2].

NM_015443.4(KANSL1):c.2591del (p.Asn864fs)

Gene: KANSL1 (KAT8 regulatory NSL complex subunit 1). Cytogenetic location: 17q21.31.
Variant type: Deletion.
Coding change: c.2591del on transcript NM_015443.4 (MANE Select); coding-DNA position 2591, one base deleted.
Protein change: p.Asn864fs; shifts the reading frame from asparagine 864.
Molecular consequence: frameshift variant.
Genome position: GRCh38 VCF-style: chr17-46034235-GT-G. GRCh37 (hg19) VCF-style: chr17-44111601-GT-G.
Other names: c.2588del, p.Asn863fs (NM_001193465.2); c.2591del, p.Asn864fs (NM_001193466.2, NM_001379198.1); short protein forms N863fs, N864fs.
Identifiers: ClinVar variation 976453 (VCV000976453.1), dbSNP rs2077088526, ClinGen allele CA1139665661.